The following is an entry in ClinVar:

ClinVar aggregate classification (germline): Pathogenic (1 of 4 stars; one submission).

Submission:

Labcorp Genetics (formerly Invitae), Labcorp
Classification: Pathogenic. Last evaluated: 2023-05-23. Review status: criteria provided, single submitter. Criteria: Invitae Variant Classification Sherloc (09022015). Collection method: clinical testing. Allele origin: unknown.
Comment: This variant is a gross deletion of the genomic region encompassing exon(s) 36-44 of the USH2A gene. This variant would be expected to be in-frame, preserving the integrity of the reading frame. This variant has not been reported in the literature in individuals affected with USH2A-related conditions. This variant disrupts a region of the USH2A protein in which other variant(s) (p.Gly2752Arg) have been determined to be pathogenic (PMID: 21569298, 26806561, 27596865, 28678594). This suggests that this is a clinically significant region of the protein, and that variants that disrupt it are likely to be disease-causing. For these reasons, this variant has been classified as Pathogenic.

Literature cited by the submitters: PubMed 21569298; PubMed 26806561; PubMed 27596865; PubMed 28678594.

NC_000001.10:g.(?_216039721)_(216144138_?)del

Gene: USH2A (usherin; minus strand). Cytogenetic location: 1q41.
Variant type: Deletion.
Identifiers: ClinVar variation 3248061 (VCV003248061.1).